The following is an entry in ClinVar:

NM_000020.3(ACVRL1):c.1146C>A (p.Asp382Glu)

Gene: ACVRL1 (activin A receptor like type 1; plus strand). Cytogenetic location: 12q13.13.
Variant type: single nucleotide variant.
Coding change: c.1146C>A on transcript NM_000020.3 (MANE Select); coding-DNA position 1146, C replaced by A.
Protein change: p.Asp382Glu; replaces aspartic acid 382 with glutamic acid.
Molecular consequence: missense variant. On other transcripts: intron variant (1).
Genome position (GRCh38, 1-based): chr12:51,916,133, C>A. VCF-style: chr12-51916133-C-A. GRCh37 (hg19) VCF-style: chr12-52309917-C-A.
Other names: c.1146C>A, p.Asp382Glu (NM_001077401.2, NM_001406487.1, NM_001406488.1 and 1 more transcripts); c.834C>A, p.Asp278Glu (NM_001406490.1, NM_001406491.1, NM_001406492.1 and 1 more transcripts); c.582C>A, p.Asp194Glu (NM_001406495.1); c.736+633C>A (NM_001406494.1); short protein forms D382E, D194E, D278E.
Identifiers: ClinVar variation 3574954 (VCV003574954.2).
Genomic context (GRCh38, chr12:51,916,133, plus strand): 5'-GGACATCGGCAACAACCCGAGAGTGGGCACCAAGCGGTACATGGCACCCGAGGTGCTGGA[C>A]GAGCAGATCCGCACGGACTGCTTTGAGTCCTACAAGTGGACTGACATCTGGGCCTTTGGC-3'
Protein context (NP_000011.2, residues 372-392): TKRYMAPEVL[Asp382Glu]EQIRTDCFES

ClinVar aggregate classification (germline): Uncertain significance. Review status: criteria provided, multiple submitters, no conflicts (2 of 4 stars). 2 submissions from 2 submitters: Uncertain significance (2). Last evaluated 2025-06-16.

Conditions:
Telangiectasia, hereditary hemorrhagic, type 2 (HHT2). Also called: ACVRL1-Related Hereditary Hemorrhagic Telangiectasia; Telangiectasia, hereditary hemorrhagic, type II. Identifiers: Orphanet 774, MedGen C1838163, MONDO:0010880, OMIM 600376. Disease mechanism: loss of function.

Submissions (2):

GeneDx
Classification: Uncertain significance. Last evaluated: 2025-06-16. Review status: criteria provided, single submitter. Criteria: GeneDx Variant Classification Process June 2021. Collection method: clinical testing. Allele origin: germline. Affected: yes.
Comment: Not observed at significant frequency in large population cohorts (gnomAD); In silico analysis supports that this missense variant has a deleterious effect on protein structure/function; Has not been previously published as pathogenic or benign to our knowledge

Fulgent Genetics
Classification: Uncertain significance for Telangiectasia, hereditary hemorrhagic, type 2. Last evaluated: 2024-05-07. Review status: criteria provided, single submitter. Criteria: ACMG Guidelines, 2015. Collection method: clinical testing. Allele origin: germline.